The following is an entry in ClinVar:

NM_024570.4(RNASEH2B):c.827dup (p.Asn276fs)

Gene: RNASEH2B (ribonuclease H2 subunit B; plus strand). Cytogenetic location: 13q14.3.
Variant type: Duplication.
Coding change: c.827dup on transcript NM_024570.4 (MANE Select); coding-DNA position 827, one base duplicated (A; older notation c.827dupA).
Protein change: p.Asn276fs; shifts the reading frame from asparagine 276.
Molecular consequence: frameshift variant. On other transcripts: intron variant (1).
Genome position (GRCh38, 1-based): chr13:50,956,362, A duplicated; the last of 5 consecutive A bases (chr13:50,956,358-50,956,362); duplicating any one gives the same sequence. VCF-style (leftmost placement, unchanged base first): chr13-50956357-G-GA. GRCh37 (hg19) VCF-style: chr13-51530493-G-GA.
Other names: c.741+6857dup (NM_001142279.2); short protein forms N276fs.
Identifiers: ClinVar variation 1490100 (VCV001490100.3), dbSNP rs746868812, ClinGen allele CA6985733.

ClinVar aggregate classification (germline): Uncertain significance (1 of 4 stars; one submission).

Conditions:
Aicardi-Goutieres syndrome 2. Identifiers: Orphanet 51, MedGen C3489724, MONDO:0012429, OMIM 610181.

Submission:

Labcorp Genetics (formerly Invitae), Labcorp
Classification: Uncertain significance for Aicardi-Goutieres syndrome 2. Last evaluated: 2022-06-13. Review status: criteria provided, single submitter. Criteria: Invitae Variant Classification Sherloc (09022015). Collection method: clinical testing. Allele origin: germline.
Comment: This sequence change creates a premature translational stop signal (p.Asn276Lysfs*2) in the RNASEH2B gene. While this is not anticipated to result in nonsense mediated decay, it is expected to disrupt the last 37 amino acid(s) of the RNASEH2B protein. This variant is present in population databases (rs746868812, gnomAD 0.01%). This variant has not been reported in the literature in individuals affected with RNASEH2B-related conditions. Algorithms developed to predict the effect of sequence changes on RNA splicing suggest that this variant may disrupt the consensus splice site. In summary, the available evidence is currently insufficient to determine the role of this variant in disease. Therefore, it has been classified as a Variant of Uncertain Significance.